The following is an entry in ClinVar:

ClinVar aggregate classification (germline): Uncertain significance. Review status: criteria provided, multiple submitters, no conflicts (2 of 4 stars). 2 submissions from 2 submitters: Uncertain significance (2). Last evaluated 2023-09-19.

Conditions:
Inborn genetic diseases. Identifiers: MedGen C0950123, MeSH D030342.

Allele frequency attached by ClinVar (database versions not stated): ExAC 0.00001; gnomAD 0.00001; gnomAD exomes 0.00001; TOPMed 0.00001.
gnomAD v4.1: 13 of 1,613,060 alleles (0.00081%); highest among the groups gnomAD compares: Admixed American, 0.0033%; no homozygotes.

Submissions (2):

Ambry Genetics
Classification: Uncertain significance for Inborn genetic diseases. Last evaluated: 2023-09-19. Review status: criteria provided, single submitter. Criteria: Ambry Variant Classification Scheme 2023. Collection method: clinical testing. Allele origin: germline.

Labcorp Genetics (formerly Invitae), Labcorp
Classification: Uncertain significance. Last evaluated: 2022-06-19. Review status: criteria provided, single submitter. Criteria: Invitae Variant Classification Sherloc (09022015). Collection method: clinical testing. Allele origin: germline.
Comment: This sequence change replaces histidine, which is basic and polar, with arginine, which is basic and polar, at codon 4678 of the PCLO protein (p.His4678Arg). This variant is present in population databases (rs755070581, gnomAD 0.006%). This variant has not been reported in the literature in individuals affected with PCLO-related conditions. Algorithms developed to predict the effect of missense changes on protein structure and function are either unavailable or do not agree on the potential impact of this missense change (SIFT: "Tolerated"; PolyPhen-2: "Not Available"; Align-GVGD: "Class C0"). In summary, the available evidence is currently insufficient to determine the role of this variant in disease. Therefore, it has been classified as a Variant of Uncertain Significance.

NM_033026.6(PCLO):c.14033A>G (p.His4678Arg)

Gene: PCLO (piccolo presynaptic cytomatrix protein; minus strand). Cytogenetic location: 7q21.11.
Variant type: single nucleotide variant.
Coding change: c.14033A>G on transcript NM_033026.6 (MANE Select); coding-DNA position 14033, A replaced by G.
Protein change: p.His4678Arg; replaces histidine 4678 with arginine.
Molecular consequence: missense variant.
Genome position (GRCh38, 1-based): chr7:82,845,284, T>C on the plus strand (A>G on the coding strand, the complement: PCLO is on the minus strand). VCF-style: chr7-82845284-T-C. GRCh37 (hg19) VCF-style: chr7-82474600-T-C.
Other names: c.14033A>G, p.His4678Arg (NM_014510.3); c.14033A>G (NM_033026.5); short protein forms H4678R.
Identifiers: ClinVar variation 2180663 (VCV002180663.2), dbSNP rs755070581, ClinGen allele CA4318967.